The following is an entry in ClinVar:

NM_001750.7(CAST):c.1626+1G>A

Gene: CAST (calpastatin; plus strand). Cytogenetic location: 5q15.
Variant type: single nucleotide variant.
Coding change: c.1626+1G>A on transcript NM_001750.7 (MANE Select); the canonical splice donor site of the intron after coding-DNA position 1626, G replaced by A.
Molecular consequence: splice donor variant.
Genome position (GRCh38, 1-based): chr5:96,754,162, G>A. VCF-style: chr5-96754162-G-A. GRCh37 (hg19) VCF-style: chr5-96089866-G-A.
Other names: c.1215+1G>A (NM_001423260.1, NM_001042446.3, NM_001330630.2); c.1338+1G>A (NM_001190442.2, NM_001330631.2, NM_001423251.1 and 1 more transcripts); c.1569+1G>A (NM_001042441.3); c.1530+1G>A (NM_001330626.2); c.1560+1G>A (NM_001042442.3); c.1503+1G>A (NM_001042440.5, NM_001330627.2); c.1542+1G>A (NM_001330629.2); c.1515+1G>A (NM_001375317.1); and 8 more.
Identifiers: ClinVar variation 4529692 (VCV004529692.1).

ClinVar aggregate classification (germline): Likely pathogenic (1 of 4 stars; one submission).

Submission:

GeneDx
Classification: Likely pathogenic. Last evaluated: 2025-05-15. Review status: criteria provided, single submitter. Criteria: GeneDx Variant Classification Process June 2021. Collection method: clinical testing. Allele origin: germline. Affected: yes.
Comment: Canonical splice site variant predicted to result in an in-frame loss of the adjacent exon in a gene for which loss of function is a known mechanism of disease; Not observed at significant frequency in large population cohorts (gnomAD); Has not been previously published as pathogenic or benign to our knowledge